The following is an entry in ClinVar:

ClinVar aggregate classification (germline): Likely pathogenic (1 of 4 stars; one submission).

Conditions:
Hereditary acrodermatitis enteropathica (AEZ). Also called: Acrodermatitis enteropathica. Identifiers: Orphanet 37, MedGen C0221036, MONDO:0008713, OMIM 201100.

Submission:

Natera, Inc.
Classification: Likely pathogenic for Acrodermatitis enteropathica. Last evaluated: 2025-08-01. Review status: criteria provided, single submitter. Criteria: Natera Variant Classification Schema (03/2026). Collection method: clinical testing. Allele origin: germline.
Comment: The c.340_361del variant in SLC39A4 is a frameshift variant predicted to shift the reading frame beginning at codon 114 and leads to a stop codon 16 codons downstream. This variant is expected to result in nonsense mediated decay, truncation, or a dysfunctional protein product. This variant is rare in the general population with a frequency below the threshold expected for the associated phenotype(s). Given the available evidence, this variant is classified as Likely Pathogenic.

NM_130849.4(SLC39A4):c.340_361del (p.Ala114fs)

Gene: SLC39A4 (solute carrier family 39 member 4; minus strand). Cytogenetic location: 8q24.3.
Variant type: Deletion.
Coding change: c.340_361del on transcript NM_130849.4 (MANE Select); coding-DNA positions 340 to 361, 22 bases deleted (GCTCGGGCTGGCCTCTGGGCCT).
Protein change: p.Ala114fs; shifts the reading frame from alanine 114.
Molecular consequence: frameshift variant. On other transcripts: intron variant (1).
Genome position (GRCh38, 1-based): chr8:144,415,923-144,415,944, AGGCCCAGAGGCCAGCCCGAGC deleted on the plus strand (GCTCGGGCTGGCCTCTGGGCCT on the coding strand, the reverse complement: SLC39A4 is on the minus strand). VCF-style (leftmost placement, unchanged base first): chr8-144415922-GAGGCCCAGAGGCCAGCCCGAGC-G. GRCh37 (hg19) VCF-style: chr8-145641306-GAGGCCCAGAGGCCAGCCCGAGC-G.
Other names: c.265_286del, p.Ala89fs (NM_017767.3); c.193-525_193-504del (NM_001374839.1); short protein forms A114fs, A89fs.
Identifiers: ClinVar variation 4816466 (VCV004816466.1).